The following is an entry in ClinVar:

NM_001136271.3(NKX2-6):c.625G>T (p.Ala209Ser)

Gene: NKX2-6 (NK2 homeobox 6; minus strand). Cytogenetic location: 8p21.2.
Variant type: single nucleotide variant.
Coding change: c.625G>T on transcript NM_001136271.3 (MANE Select); coding-DNA position 625, G replaced by T.
Protein change: p.Ala209Ser; replaces alanine 209 with serine.
Molecular consequence: missense variant.
Genome position (GRCh38, 1-based): chr8:23,702,732, C>A on the plus strand (G>T on the coding strand, the complement: NKX2-6 is on the minus strand). VCF-style: chr8-23702732-C-A. GRCh37 (hg19) VCF-style: chr8-23560245-C-A.
Other names: short protein forms A209S.
Identifiers: ClinVar variation 1021570 (VCV001021570.1), dbSNP rs941121273, ClinGen allele CA174010905.

ClinVar aggregate classification (germline): Uncertain significance (1 of 4 stars; one submission).

Conditions:
Conotruncal heart malformations (CTHM). Also called: Conotruncal heart malformations, variable. Identifiers: Orphanet 2445, Orphanet 3384, Orphanet 3426, MedGen C1857586, MONDO:0016581, OMIM 217095.

Allele frequency attached by ClinVar (database versions not stated): gnomAD exomes below 0.00001 and 0.00001; TOPMed below 0.00001; gnomAD 0.00001.
gnomAD v4.1: 2 of 1,551,624 alleles (0.00013%); highest among the groups gnomAD compares: Admixed American, 0.0039%; no homozygotes.

Submission:

Labcorp Genetics (formerly Invitae), Labcorp
Classification: Uncertain significance for Conotruncal heart malformations. Last evaluated: 2020-01-01. Review status: criteria provided, single submitter. Criteria: Invitae Variant Classification Sherloc (09022015). Collection method: clinical testing. Allele origin: germline.
Comment: This sequence change replaces alanine with serine at codon 209 of the NKX2-6 protein (p.Ala209Ser). The alanine residue is highly conserved and there is a moderate physicochemical difference between alanine and serine. This variant is not present in population databases (ExAC no frequency). This variant has not been reported in the literature in individuals with NKX2-6-related conditions. Algorithms developed to predict the effect of missense changes on protein structure and function (SIFT, PolyPhen-2, Align-GVGD) all suggest that this variant is likely to be disruptive, but these predictions have not been confirmed by published functional studies and their clinical significance is uncertain. In summary, the available evidence is currently insufficient to determine the role of this variant in disease. Therefore, it has been classified as a Variant of Uncertain Significance.